The following is an entry in ClinVar:

ClinVar aggregate classification (germline): Uncertain significance. Review status: criteria provided, multiple submitters, no conflicts (2 of 4 stars). 2 submissions from 2 submitters: Uncertain significance (2). Last evaluated 2024-10-15.

Conditions:
Congenital disorder of glycosylation type Ir (CDG1R). Also called: DDOST-congenital disorder of glycosylation. Identifiers: Orphanet 300536, MedGen C3281084, MONDO:0013789, OMIM 614507.

Allele frequency attached by ClinVar (database versions not stated): TOPMed below 0.00001; gnomAD 0.00001.
gnomAD v4.1: 21 of 1,564,624 alleles (0.0013%); highest among the groups gnomAD compares: Admixed American, 0.0056%; no homozygotes.

Submissions (2):

Labcorp Genetics (formerly Invitae), Labcorp
Classification: Uncertain significance for Congenital disorder of glycosylation type Ir. Last evaluated: 2024-10-15. Review status: criteria provided, single submitter. Criteria: Invitae Variant Classification Sherloc (09022015). Collection method: clinical testing. Allele origin: germline.
Comment: This sequence change affects codon 216 of the DDOST mRNA. It is a 'silent' change, meaning that it does not change the encoded amino acid sequence of the DDOST protein. This variant is not present in population databases (gnomAD no frequency). This variant has not been reported in the literature in individuals affected with DDOST-related conditions. ClinVar contains an entry for this variant (Variation ID: 1386079). Algorithms developed to predict the effect of sequence changes on RNA splicing suggest that this variant may create or strengthen a splice site. In summary, the available evidence is currently insufficient to determine the role of this variant in disease. Therefore, it has been classified as a Variant of Uncertain Significance.

Juno Genomics, Hangzhou Juno Genomics, Inc
Classification: Uncertain significance for Congenital disorder of glycosylation type Ir. Review status: criteria provided, single submitter. Criteria: ACMG Guidelines, 2015. Collection method: clinical testing. Allele origin: germline.
Comment: Absent from controls (or at extremely low frequency if recessive) in Genome Aggregation Database.;Multiple lines of computational evidence support a deleterious effect on the gene or gene product.

NM_005216.5(DDOST):c.597G>A (p.Thr199=)

Gene: DDOST (dolichyl-diphosphooligosaccharide--protein glycosyltransferase non-catalytic subunit; minus strand). Cytogenetic location: 1p36.12.
Variant type: single nucleotide variant.
Coding change: c.597G>A on transcript NM_005216.5 (MANE Select); coding-DNA position 597, G replaced by A.
Protein change: p.Thr199=; no amino-acid change (threonine 199 retained).
Molecular consequence: synonymous variant.
Genome position (GRCh38, 1-based): chr1:20,654,662, C>T on the plus strand (G>A on the coding strand, the complement: DDOST is on the minus strand). VCF-style: chr1-20654662-C-T. GRCh37 (hg19) VCF-style: chr1-20981155-C-T.
Identifiers: ClinVar variation 1386079 (VCV001386079.10), dbSNP rs755031163, ClinGen allele CA661173.